The following is an entry in ClinVar:

NM_000321.3(RB1):c.2254A>C (p.Ile752Leu)

Gene: RB1 (RB transcriptional corepressor 1; plus strand). Cytogenetic location: 13q14.2.
Variant type: single nucleotide variant.
Coding change: c.2254A>C on transcript NM_000321.3 (MANE Select); coding-DNA position 2254, A replaced by C.
Protein change: p.Ile752Leu; replaces isoleucine 752 with leucine.
Molecular consequence: missense variant.
Genome position (GRCh38, 1-based): chr13:48,465,040, A>C. VCF-style: chr13-48465040-A-C. GRCh37 (hg19) VCF-style: chr13-49039176-A-C.
Other names: short protein forms I752L.
Identifiers: ClinVar variation 527912 (VCV000527912.9), dbSNP rs1555294601, ClinGen allele CA388167573.

ClinVar aggregate classification (germline): Uncertain significance. Review status: criteria provided, multiple submitters, no conflicts (2 of 4 stars). 2 submissions from 2 submitters: Uncertain significance (2). Last evaluated 2026-03-17.

Conditions:
Hereditary cancer-predisposing syndrome. Also called: Tumor predisposition; Hereditary neoplastic syndrome; Neoplastic Syndromes, Hereditary; Hereditary Cancer Syndrome. Identifiers: Orphanet 140162, MedGen C0027672, MeSH D009386, MONDO:0015356.
Retinoblastoma (RB1). Also called: RETINOBLASTOMA, SOMATIC. Identifiers: Orphanet 790, MedGen C0035335, MeSH D012175, MONDO:0008380, OMIM 180200, HP:0009919. Disease mechanism: loss of function. Inheritance: Both sporadic and heritable forms are tested..

Submissions (2):

Ambry Genetics
Classification: Uncertain significance for Hereditary cancer-predisposing syndrome. Last evaluated: 2026-03-17. Review status: criteria provided, single submitter. Criteria: Ambry Variant Classification Scheme 2023. Collection method: clinical testing. Allele origin: germline.
Comment: The p.I752L variant (also known as c.2254A>C), located in coding exon 22 of the RB1 gene, results from an A to C substitution at nucleotide position 2254. The isoleucine at codon 752 is replaced by leucine, an amino acid with highly similar properties. This amino acid position is conserved. In addition, this alteration is predicted to be deleterious by in silico analysis. Based on the available evidence, the clinical significance of this variant remains unclear.

Labcorp Genetics (formerly Invitae), Labcorp
Classification: Uncertain significance for Retinoblastoma. Last evaluated: 2017-09-04. Review status: criteria provided, single submitter. Criteria: Invitae Variant Classification Sherloc (09022015). Collection method: clinical testing. Allele origin: germline.
Comment: In summary, the available evidence is currently insufficient to determine the role of this variant in disease. Therefore, it has been classified as a Variant of Uncertain Significance. Algorithms developed to predict the effect of missense changes on protein structure and function do not agree on the potential impact of this missense change (SIFT: "Deleterious"; PolyPhen-2: "Probably Damaging"; Align-GVGD: "Class C0"). This variant has not been reported in the literature in individuals with RB1-related disease. This variant is not present in population databases (ExAC no frequency). This sequence change replaces isoleucine with leucine at codon 752 of the RB1 protein (p.Ile752Leu). The isoleucine residue is highly conserved and there is a small physicochemical difference between isoleucine and leucine.